The following is an entry in ClinVar:

NM_001013703.4(EIF2AK4):c.744-166C>T

Gene: EIF2AK4 (eukaryotic translation initiation factor 2 alpha kinase 4; plus strand). Cytogenetic location: 15q15.1.
Variant type: single nucleotide variant.
Coding change: c.744-166C>T on transcript NM_001013703.4 (MANE Select); 166 bases into the intron before coding-DNA position 744, C replaced by T.
Molecular consequence: intron variant.
Genome position (GRCh38, 1-based): chr15:39,961,618, C>T. VCF-style: chr15-39961618-C-T. GRCh37 (hg19) VCF-style: chr15-40253819-C-T.
Identifiers: ClinVar variation 674639 (VCV000674639.1), dbSNP rs547183, ClinGen allele CA14177028.

ClinVar aggregate classification (germline): Benign (1 of 4 stars; one submission).

Allele frequency attached by ClinVar (database versions not stated): 1000 Genomes Project 30x 0.42911; 1000 Genomes Project 0.43131; TOPMed 0.45109; gnomAD 0.46132 and 0.46379.
gnomAD v4.1: 69,969 of 151,896 alleles (46%); highest among the groups gnomAD compares: East Asian, 55%; 16,385 homozygotes.

Submission:

GeneDx
Classification: Benign. Last evaluated: 2018-06-14. Review status: criteria provided, single submitter. Criteria: GeneDx Variant Classification (06012015). Collection method: clinical testing. Allele origin: germline. Affected: yes.
Comment: This variant is considered likely benign or benign based on one or more of the following criteria: it is a conservative change, it occurs at a poorly conserved position in the protein, it is predicted to be benign by multiple in silico algorithms, and/or has population frequency not consistent with disease.